The following is an entry in ClinVar:

NM_004130.4(GYG1):c.248C>T (p.Thr83Met)

Gene: GYG1 (glycogenin 1; plus strand). Cytogenetic location: 3q24.
Variant type: single nucleotide variant.
Coding change: c.248C>T on transcript NM_004130.4 (MANE Select); coding-DNA position 248, C replaced by T.
Protein change: p.Thr83Met; replaces threonine 83 with methionine.
Molecular consequence: missense variant.
Genome position (GRCh38, 1-based): chr3:148,996,406, C>T. VCF-style: chr3-148996406-C-T. GRCh37 (hg19) VCF-style: chr3-148714193-C-T.
Other names: c.248C>T, p.Thr83Met (NM_001184720.2, NM_001184721.2); short protein forms T83M.
Identifiers: ClinVar variation 5954 (VCV000005954.14), dbSNP rs267606858, ClinGen allele CA117880.

ClinVar aggregate classification (germline): Uncertain significance. Review status: criteria provided, single submitter (1 of 4 stars). 2 submissions from 2 submitters: Uncertain significance (1). 1 of the submissions does not count toward it. Last evaluated 2024-12-01.

Conditions:
Glycogen storage disease XV (GSD15). Also called: GLYCOGENIN DEFICIENCY; GSD XV. Identifiers: Orphanet 263297, MedGen C3150754, MONDO:0013291, OMIM 613507.

gnomAD v4.1: 16 of 1,613,458 alleles (0.00099%); highest among the groups gnomAD compares: Admixed American, 0.0017%; no homozygotes.

Submissions (2):

CeGaT Center for Human Genetics Tuebingen
Classification: Uncertain significance. Last evaluated: 2024-12-01. Review status: criteria provided, single submitter. Criteria: CeGaT Center For Human Genetics Tuebingen Variant Classification Criteria Version 2. Collection method: clinical testing. Allele origin: germline. Affected: yes. Observed: 1 variant allele.
Comment: GYG1: PM2, PM3, PS3:Supporting

OMIM
Classification: Pathogenic for GLYCOGEN STORAGE DISEASE XV (1 patient). Last evaluated: 2012-04-01. Review status: no assertion criteria provided. Collection method: literature only. Allele origin: germline. Not counted in ClinVar's aggregate classification.

Literature cited by the submitters: PubMed 20357282 (cited by OMIM); PubMed 22198226 (cited by OMIM).